The following is an entry in ClinVar:

NM_012464.5(TLL1):c.67G>C (p.Gly23Arg)

Gene: TLL1 (tolloid like 1; plus strand). Cytogenetic location: 4q32.3.
Variant type: single nucleotide variant.
Coding change: c.67G>C on transcript NM_012464.5 (MANE Select); coding-DNA position 67, G replaced by C.
Protein change: p.Gly23Arg; replaces glycine 23 with arginine.
Molecular consequence: missense variant.
Genome position (GRCh38, 1-based): chr4:165,873,971, G>C. VCF-style: chr4-165873971-G-C. GRCh37 (hg19) VCF-style: chr4-166795123-G-C.
Other names: c.67G>C, p.Gly23Arg (NM_001204760.2); short protein forms G23R.
Identifiers: ClinVar variation 3056763 (VCV003056763.2), dbSNP rs72984287, ClinGen allele CA3130484.

ClinVar aggregate classification (germline): Benign (0 of 4 stars; one submission).

Conditions:
TLL1-related disorder. Also called: TLL1-related condition.

Allele frequency attached by ClinVar (database versions not stated): ExAC 0.02161; gnomAD 0.06915; 1000 Genomes Project 0.07448; TOPMed 0.07779; 1000 Genomes Project 30x 0.07808; ESP Exome Variant Server 0.08019.
gnomAD v4.1: 21,035 of 1,614,046 alleles (1.3%); highest among the groups gnomAD compares: African/African-American, 24%; 2,236 homozygotes.

Submission:

PreventionGenetics, part of Exact Sciences
Classification: Benign for TLL1-related condition. Last evaluated: 2019-11-26. Review status: no assertion criteria provided. Collection method: clinical testing. Allele origin: germline.
Comment: This variant is classified as benign based on ACMG/AMP sequence variant interpretation guidelines (Richards et al. 2015 PMID: 25741868, with internal and published modifications).